The following is an entry in ClinVar:

NM_001142800.2(EYS):c.9059dup (p.Ala3021fs)

Genes: EYS (EGF-like photoreceptor maintenance factor; minus strand), PHF3 (PHD finger protein 3; plus strand). Cytogenetic location: 6q12.
Variant type: Duplication.
Coding change: c.9059dup on transcript NM_001142800.2 (MANE Select); coding-DNA position 9059, one base duplicated (T; older notation c.9059dupT).
Protein change: p.Ala3021fs; shifts the reading frame from alanine 3021.
Molecular consequence: frameshift variant. On other transcripts: 3 prime UTR variant (5).
Genome position (GRCh38, 1-based): chr6:63,720,972, A duplicated on the plus strand (T on the coding strand, the reverse complement: EYS is on the minus strand). VCF-style (leftmost placement, unchanged base first): chr6-63720971-T-TA. GRCh37 (hg19) VCF-style: chr6-64430867-T-TA.
Other names: c.*7264dup (NM_001290259.2, NM_001370348.2, NM_001370349.2 and 2 more transcripts); c.9122dup, p.Ala3042fs (NM_001292009.2); short protein forms A3021fs, A3042fs.
Identifiers: ClinVar variation 1389618 (VCV001389618.8), dbSNP rs2149624154, ClinGen allele CA2573141294.

ClinVar aggregate classification (germline): Pathogenic (1 of 4 stars; one submission).

Submission:

Labcorp Genetics (formerly Invitae), Labcorp
Classification: Pathogenic. Last evaluated: 2021-01-26. Review status: criteria provided, single submitter. Criteria: Invitae Variant Classification Sherloc (09022015). Collection method: clinical testing. Allele origin: germline.
Comment: This variant has not been reported in the literature in individuals with EYS-related conditions. This variant is not present in population databases (ExAC no frequency). This sequence change creates a premature translational stop signal (p.Ala3021Serfs*3) in the EYS gene. While this is not anticipated to result in nonsense mediated decay, it is expected to disrupt the last 124 amino acid(s) of the EYS protein. For these reasons, this variant has been classified as Pathogenic. This variant disrupts the C-terminus of the EYS protein. Other variant(s) that disrupt this region (p.Tyr3135*) have been determined to be pathogenic (PMID: 18976725, 31074760, 29159838, 30337596). This suggests that variants that disrupt this region of the protein are likely to be causative of disease.

Literature cited by the submitters: PubMed 18976725; PubMed 31074760; PubMed 29159838; PubMed 30337596.